The following is an entry in ClinVar:

NM_012309.5(SHANK2):c.1596C>T (p.Val532=)

Gene: SHANK2 (SH3 and multiple ankyrin repeat domains 2; minus strand). Cytogenetic location: 11q13.4.
Variant type: single nucleotide variant.
Coding change: c.1596C>T on transcript NM_012309.5 (MANE Select); coding-DNA position 1596, C replaced by T.
Protein change: p.Val532=; no amino-acid change (valine 532 retained).
Molecular consequence: synonymous variant.
Genome position (GRCh38, 1-based): chr11:70,807,069, G>A on the plus strand (C>T on the coding strand, the complement: SHANK2 is on the minus strand). VCF-style: chr11-70807069-G-A. GRCh37 (hg19) VCF-style: chr11-70653174-G-A.
Other names: c.459C>T, p.Val153= (NM_001379226.1).
Identifiers: ClinVar variation 806714 (VCV000806714.42), dbSNP rs113412646, ClinGen allele CA6161800.

ClinVar aggregate classification (germline): Likely benign (1 of 4 stars; one submission).

Allele frequency attached by ClinVar (database versions not stated): gnomAD 0.00002 and 0.00003; TOPMed 0.00002; gnomAD exomes 0.00003; ExAC 0.00005.
gnomAD v4.1: 28 of 717,836 alleles (0.0039%); highest among the groups gnomAD compares: Middle Eastern, 0.046%; no homozygotes.

Submission:

CeGaT Center for Human Genetics Tuebingen
Classification: Likely benign. Last evaluated: 2022-10-01. Review status: criteria provided, single submitter. Criteria: CeGaT Center For Human Genetics Tuebingen Variant Classification Criteria Version 2. Collection method: clinical testing. Allele origin: germline. Affected: yes. Observed: 2 variant alleles.
Comment: SHANK2: BP4, BP7